The following is an entry in ClinVar:

NM_001042492.3(NF1):c.6428-7C>T

Gene: NF1 (neurofibromin 1; plus strand). Cytogenetic location: 17q11.2.
Variant type: single nucleotide variant.
Coding change: c.6428-7C>T on transcript NM_001042492.3 (MANE Select); 7 bases into the intron before coding-DNA position 6428, C replaced by T.
Molecular consequence: intron variant.
Genome position (GRCh38, 1-based): chr17:31,337,361, C>T. VCF-style: chr17-31337361-C-T. GRCh37 (hg19) VCF-style: chr17-29664379-C-T.
Other names: c.6365-7C>T (NM_000267.4).
Identifiers: ClinVar variation 1143634 (VCV001143634.8), dbSNP rs1597843613, ClinGen allele CA2255601810.

ClinVar aggregate classification (germline): Likely benign. Review status: criteria provided, multiple submitters, no conflicts (2 of 4 stars). 2 submissions from 2 submitters: Likely benign (2). Last evaluated 2026-09-22.

Conditions:
Neurofibromatosis, type 1 (NF1). Also called: Neurofibromatosis, type I; VON RECKLINGHAUSEN DISEASE; Peripheral type neurofibromatosis; NEUROFIBROMATOSIS, TYPE I, SOMATIC. Identifiers: Orphanet 636, MedGen C0027831, MONDO:0018975, OMIM 162200. Disease mechanism: loss of function.

Allele frequency attached by ClinVar (database versions not stated): TOPMed 0.00001.
gnomAD v4.1: 1 of 1,604,760 alleles (0.000062%); highest among the groups gnomAD compares: African/African-American, 0.0013%; no homozygotes.

Submissions (2):

Myriad Genetics, Inc.
Classification: Likely benign for Neurofibromatosis, type 1. Last evaluated: 2026-09-22. Review status: criteria provided, single submitter. Criteria: Myriad Autosomal Dominant, Autosomal Recessive and X-Linked Classification Criteria (2023). Collection method: clinical testing. Allele origin: unknown.
Comment: This variant is considered likely benign. This variant is intronic and is not expected to impact mRNA splicing.

Labcorp Genetics (formerly Invitae), Labcorp
Classification: Likely benign for Neurofibromatosis, type 1. Last evaluated: 2025-01-27. Review status: criteria provided, single submitter. Criteria: Invitae Variant Classification Sherloc (09022015). Collection method: clinical testing. Allele origin: germline.